The following is an entry in ClinVar:

NM_004588.5(SCN2B):c.-14_-12del

Gene: SCN2B (sodium voltage-gated channel beta subunit 2; minus strand). Cytogenetic location: 11q23.3.
Variant type: Deletion.
Coding change: c.-14_-12del on transcript NM_004588.5 (MANE Select); 14 bases upstream of the start codon through 12 bases upstream of the start codon, 3 bases deleted (CTC; older notation c.-14_-12delCTC).
Molecular consequence: 5 prime UTR variant.
Genome position (GRCh38, 1-based): chr11:118,176,443-118,176,445, GAG deleted on the plus strand (CTC on the coding strand, the reverse complement: SCN2B is on the minus strand). VCF-style (leftmost placement, unchanged base first): chr11-118176442-TGAG-T. GRCh37 (hg19) VCF-style: chr11-118047157-TGAG-T.
Identifiers: ClinVar variation 509925 (VCV000509925.1), dbSNP rs779911577, ClinGen allele CA6300580.

ClinVar aggregate classification (germline): Likely benign (1 of 4 stars; one submission).

Allele frequency attached by ClinVar (database versions not stated): gnomAD exomes 0.00003 and 0.00008; ExAC 0.00012; TOPMed 0.00038; gnomAD 0.00044 and 0.00046; ESP Exome Variant Server 0.00056.

Submission:

GeneDx
Classification: Likely benign. Last evaluated: 2017-05-31. Review status: criteria provided, single submitter. Criteria: GeneDx Variant Classification (06012015). Collection method: clinical testing. Allele origin: germline. Affected: yes.
Comment: This variant is considered likely benign or benign based on one or more of the following criteria: it is a conservative change, it occurs at a poorly conserved position in the protein, it is predicted to be benign by multiple in silico algorithms, and/or has population frequency not consistent with disease.